The following is an entry in ClinVar:

ClinVar aggregate classification (germline): Uncertain significance (1 of 4 stars; one submission).

Conditions:
Pierson syndrome. Also called: MICROCORIA-CONGENITAL NEPHROTIC SYNDROME. Identifiers: Orphanet 2670, MedGen C1836876, MONDO:0012184, OMIM 609049.
LAMB2-related infantile-onset nephrotic syndrome. Also called: Nephrotic Syndrome, type 5; NEPHROTIC SYNDROME, TYPE 5, WITHOUT OCULAR ABNORMALITIES; NEPHROTIC SYNDROME, TYPE 5, WITH OCULAR ABNORMALITIES. Identifiers: Orphanet 306507, MedGen C3280113, MONDO:0013621, OMIM 614199.

Submission:

Labcorp Genetics (formerly Invitae), Labcorp
Classification: Uncertain significance for LAMB2-related infantile-onset nephrotic syndrome; Pierson syndrome. Last evaluated: 2025-08-18. Review status: criteria provided, single submitter. Criteria: Invitae Variant Classification Sherloc (09022015). Collection method: clinical testing. Allele origin: germline.
Comment: This sequence change replaces asparagine, which is neutral and polar, with threonine, which is neutral and polar, at codon 244 of the LAMB2 protein (p.Asn244Thr). This variant is not present in population databases (gnomAD no frequency). This variant has not been reported in the literature in individuals affected with LAMB2-related conditions. ClinVar contains an entry for this variant (Variation ID: 1988357). An algorithm developed to predict the effect of missense changes on protein structure and function (PolyPhen-2) suggests that this variant is likely to be disruptive. In summary, the available evidence is currently insufficient to determine the role of this variant in disease. Therefore, it has been classified as a Variant of Uncertain Significance.

NM_002292.4(LAMB2):c.731A>C (p.Asn244Thr)

Gene: LAMB2 (laminin subunit beta 2; minus strand). Cytogenetic location: 3p21.31.
Variant type: single nucleotide variant.
Coding change: c.731A>C on transcript NM_002292.4 (MANE Select); coding-DNA position 731, A replaced by C.
Protein change: p.Asn244Thr; replaces asparagine 244 with threonine.
Molecular consequence: missense variant.
Genome position (GRCh38, 1-based): chr3:49,131,134, T>G on the plus strand (A>C on the coding strand, the complement: LAMB2 is on the minus strand). VCF-style: chr3-49131134-T-G. GRCh37 (hg19) VCF-style: chr3-49168567-T-G.
Other names: short protein forms N244T.
Identifiers: ClinVar variation 1988357 (VCV001988357.4), dbSNP rs2472556075, ClinGen allele CA352748470.
Genomic context (GRCh38, chr3:49,131,134, plus strand): 5'-CTCCGTGGGTCGAGTAGGTTGTCTCCCAACGTGTGTAGACGAGTCAGGTTCACCCGTAGG[T>G]TGGTGATCTTCAACAGGTCTGAGGCGGGGGAAGGGGGGCCAACTGACCAGGCAGGCCCTT-3'
Protein context (NP_002283.3, residues 234-254): SRIQNLLKIT[Asn244Thr]LRVNLTRLHT